The following is an entry in ClinVar:

NM_001042492.3(NF1):c.2835del (p.Phe945fs)

Gene: NF1 (neurofibromin 1; plus strand). Cytogenetic location: 17q11.2.
Variant type: Deletion.
Coding change: c.2835del on transcript NM_001042492.3 (MANE Select); coding-DNA position 2835, one base deleted (T; older notation c.2835delT).
Protein change: p.Phe945fs; shifts the reading frame from phenylalanine 945.
Molecular consequence: frameshift variant.
Genome position (GRCh38, 1-based): chr17:31,229,450, T deleted; the last of 6 consecutive T bases (chr17:31,229,445-31,229,450); deleting any one gives the same sequence. VCF-style (leftmost placement, unchanged base first): chr17-31229444-GT-G. GRCh37 (hg19) VCF-style: chr17-29556462-GT-G.
Other names: c.2835delT (NM_000267.3); c.2835delT, p.Phe945Leufs (NM_000267.4); short protein forms F945fs.
Identifiers: ClinVar variation 996517 (VCV000996517.9), dbSNP rs1567849208, ClinGen allele CA645578889.
Genomic context (GRCh38, chr17:31,229,444, plus strand): 5'-AGAATTGAGTCCTGCTCTGTATCCAATGCTATTTAACAAATTGAAGAATACCATCAGCAA[GT>G]TTTTTGACTCCCAAGGACAGGTAAAGTGTTCTCTTATTTTTCACCTTTCTCTATGAATAG-3'

ClinVar aggregate classification (germline): Pathogenic/Likely pathogenic. Review status: criteria provided, multiple submitters, no conflicts (2 of 4 stars). 4 submissions from 4 submitters: Pathogenic (2); Likely pathogenic (2). Last evaluated 2025-12-20.

Conditions:
Neurofibromatosis, type 1 (NF1). Also called: Neurofibromatosis, type I; VON RECKLINGHAUSEN DISEASE; NEUROFIBROMATOSIS, TYPE I, SOMATIC; Peripheral type neurofibromatosis. Identifiers: Orphanet 636, MedGen C0027831, MONDO:0018975, OMIM 162200. Disease mechanism: loss of function.

Submissions (4):

Labcorp Genetics (formerly Invitae), Labcorp
Classification: Pathogenic for Neurofibromatosis, type 1. Last evaluated: 2025-12-20. Review status: criteria provided, single submitter. Criteria: Invitae Variant Classification Sherloc (09022015). Collection method: clinical testing. Allele origin: germline.
Comment: This sequence change creates a premature translational stop signal (p.Phe945Leufs*9) in the NF1 gene. It is expected to result in an absent or disrupted protein product. Loss-of-function variants in NF1 are known to be pathogenic (PMID: 10712197, 23913538). This variant is not present in population databases (gnomAD no frequency). This premature translational stop signal has been observed in individual(s) with clinical features of NF1-related conditions (PMID: 15146469). ClinVar contains an entry for this variant (Variation ID: 996517). For these reasons, this variant has been classified as Pathogenic.

GeneDx
Classification: Pathogenic. Last evaluated: 2024-01-28. Review status: criteria provided, single submitter. Criteria: GeneDx Variant Classification Process June 2021. Collection method: clinical testing. Allele origin: germline. Affected: yes.
Comment: Frameshift variant predicted to result in protein truncation or nonsense mediated decay in a gene for which loss of function is a known mechanism of disease; Not observed at significant frequency in large population cohorts (gnomAD); This variant is associated with the following publications: (PMID: 30098238, 15146469)

Genome-Nilou Lab
Classification: Likely pathogenic for Neurofibromatosis, type 1. Last evaluated: 2022-03-15. Review status: criteria provided, single submitter. Criteria: ACMG Guidelines, 2015. Collection method: clinical testing. Allele origin: germline. Affected: no.

Genome Diagnostics Laboratory, The Hospital for Sick Children
Classification: Likely pathogenic for Neurofibromatosis, type 1. Last evaluated: 2020-10-26. Review status: criteria provided, single submitter. Criteria: ACMG Guidelines, 2015. Collection method: clinical testing. Allele origin: germline. Affected: yes.

Literature cited by the submitters: PubMed 10712197 (cited by Labcorp Genetics (formerly Invitae), Labcorp); PubMed 23913538 (cited by Labcorp Genetics (formerly Invitae), Labcorp); PubMed 15146469 (cited by Labcorp Genetics (formerly Invitae), Labcorp).